The following is an entry in ClinVar:

ClinVar aggregate classification (germline): Uncertain significance. Review status: criteria provided, multiple submitters, no conflicts (2 of 4 stars). 3 submissions from 3 submitters: Uncertain significance (3). Last evaluated 2024-02-23.

Conditions:
Autosomal recessive nonsyndromic hearing loss 9. Also called: Deafness, autosomal recessive 9; NEUROSENSORY NONSYNDROMIC RECESSIVE DEAFNESS 9; AUDITORY NEUROPATHY, AUTOSOMAL RECESSIVE, 1, TEMPERATURE-SENSITIVE; OTOF-Related Hearing Loss. Identifiers: Orphanet 90636, MedGen C1832828, MONDO:0010986, OMIM 601071.

Allele frequency attached by ClinVar (database versions not stated): ExAC 0.00005; gnomAD 0.00005; gnomAD exomes 0.00005 and 0.00006; TOPMed 0.00005; ESP Exome Variant Server 0.00008.
gnomAD v4.1: 91 of 1,613,236 alleles (0.0056%); highest among the groups gnomAD compares: Non-Finnish European, 0.0069%; no homozygotes.

Submissions (3):

GeneDx
Classification: Uncertain significance. Last evaluated: 2024-02-23. Review status: criteria provided, single submitter. Criteria: GeneDx Variant Classification Process June 2021. Collection method: clinical testing. Allele origin: germline. Affected: yes.
Comment: In silico analysis supports that this missense variant has a deleterious effect on protein structure/function; Has not been previously published as pathogenic or benign to our knowledge

Baylor Genetics
Classification: Uncertain significance for Autosomal recessive nonsyndromic hearing loss 9. Last evaluated: 2019-03-11. Review status: criteria provided, single submitter. Criteria: ACMG Guidelines, 2015. Collection method: clinical testing. Allele origin: maternal. Affected: yes.
Comment: This variant was determined to be of uncertain significance according to ACMG Guidelines, 2015 [PMID:25741868].

Eurofins Ntd Llc (ga)
Classification: Uncertain significance. Last evaluated: 2018-07-11. Review status: criteria provided, single submitter. Criteria: EGL ClinVar v180209 classification definitions. Collection method: clinical testing. Allele origin: germline. Observed: 1 variant allele, 1 heterozygote.

NM_194248.3(OTOF):c.1471C>T (p.Leu491Phe)

Gene: OTOF (otoferlin; minus strand). Cytogenetic location: 2p23.3.
Variant type: single nucleotide variant.
Coding change: c.1471C>T on transcript NM_194248.3 (MANE Select); coding-DNA position 1471, C replaced by T.
Protein change: p.Leu491Phe; replaces leucine 491 with phenylalanine.
Molecular consequence: missense variant.
Genome position (GRCh38, 1-based): chr2:26,482,514, G>A on the plus strand (C>T on the coding strand, the complement: OTOF is on the minus strand). VCF-style: chr2-26482514-G-A. GRCh37 (hg19) VCF-style: chr2-26705382-G-A.
Other names: c.1471C>T, p.Leu491Phe (NM_001287489.2); short protein forms L491F.
Identifiers: ClinVar variation 597789 (VCV000597789.7), dbSNP rs150834957, ClinGen allele CA1564262.